The following is an entry in ClinVar:

NM_000038.6(APC):c.8279C>A (p.Thr2760Asn)

Gene: APC (APC regulator of Wnt signaling pathway; plus strand). Cytogenetic location: 5q22.2.
Variant type: single nucleotide variant.
Coding change: c.8279C>A on transcript NM_000038.6 (MANE Select); coding-DNA position 8279, C replaced by A.
Protein change: p.Thr2760Asn; replaces threonine 2760 with asparagine.
Molecular consequence: missense variant. On other transcripts: non-coding transcript variant (2).
Genome position (GRCh38, 1-based): chr5:112,843,873, C>A. VCF-style: chr5-112843873-C-A. GRCh37 (hg19) VCF-style: chr5-112179570-C-A.
Other names: c.8279C>A, p.Thr2760Asn (NM_001127510.3, NM_001354895.2, NM_001407450.1); c.8225C>A, p.Thr2742Asn (NM_001127511.3); c.8333C>A, p.Thr2778Asn (NM_001354896.2, NM_001407447.1, NM_001407448.1 and 1 more transcripts); c.8309C>A, p.Thr2770Asn (NM_001354897.2); c.8204C>A, p.Thr2735Asn (NM_001354898.2); c.8195C>A, p.Thr2732Asn (NM_001354899.2); c.8156C>A, p.Thr2719Asn (NM_001354900.2); c.8102C>A, p.Thr2701Asn (NM_001354901.2, NM_001407453.1); and 11 more; short protein forms T2376N, T2477N, T2600N, T2631N, T2634N, T2659N, T2669N, T2677N.
Identifiers: ClinVar variation 4801529 (VCV004801529.1).

ClinVar aggregate classification (germline): Uncertain significance (1 of 4 stars; one submission).

Conditions:
Familial adenomatous polyposis 1 (FAP1). Also called: FAMILIAL ADENOMATOUS POLYPOSIS 1, ATTENUATED; POLYPOSIS, ADENOMATOUS INTESTINAL. Identifiers: MedGen C2713442, MONDO:0021056, OMIM 175100. Disease mechanism: loss of function.

Submission:

Labcorp Genetics (formerly Invitae), Labcorp
Classification: Uncertain significance for Familial adenomatous polyposis 1. Last evaluated: 2025-05-21. Review status: criteria provided, single submitter. Criteria: Invitae Variant Classification Sherloc (09022015). Collection method: clinical testing. Allele origin: germline.
Comment: This sequence change replaces threonine, which is neutral and polar, with asparagine, which is neutral and polar, at codon 2760 of the APC protein (p.Thr2760Asn). This variant is not present in population databases (gnomAD no frequency). This variant has not been reported in the literature in individuals affected with APC-related conditions. Invitae Evidence Modeling of protein sequence and biophysical properties (such as structural, functional, and spatial information, amino acid conservation, physicochemical variation, residue mobility, and thermodynamic stability) indicates that this missense variant is not expected to disrupt APC protein function with a negative predictive value of 95%. In summary, the available evidence is currently insufficient to determine the role of this variant in disease. Therefore, it has been classified as a Variant of Uncertain Significance.